The following is an entry in ClinVar:

NM_003998.4(NFKB1):c.2425A>G (p.Met809Val)

Gene: NFKB1 (nuclear factor kappa B subunit 1; plus strand). Cytogenetic location: 4q24.
Variant type: single nucleotide variant.
Coding change: c.2425A>G on transcript NM_003998.4 (MANE Select); coding-DNA position 2425, A replaced by G.
Protein change: p.Met809Val; replaces methionine 809 with valine.
Molecular consequence: missense variant.
Genome position (GRCh38, 1-based): chr4:102,612,439, A>G. VCF-style: chr4-102612439-A-G. GRCh37 (hg19) VCF-style: chr4-103533596-A-G.
Other names: c.2422A>G, p.Met808Val (NM_001165412.2, NM_001319226.2, NM_001382627.1); c.2425A>G, p.Met809Val (NM_001382625.1, NM_001382626.1); c.2383A>G, p.Met795Val (NM_001382628.1); c.2425A>G (NM_003998.3); short protein forms M795V, M808V, M809V.
Identifiers: ClinVar variation 1900387 (VCV001900387.6), dbSNP rs1728510282, ClinGen allele CA357754575.
Genomic context (GRCh38, chr4:102,612,439, plus strand): 5'-TCCAGAGTGTCTATGGCATGTTAGAACAAGTGTGTTCCTTCTTCATTTCCTTCAGGAGAC[A>G]TGAAACAGCTGGCTGAAGATGTGAAGCTGCAGCTGTATAAGTTACTAGAAATTCCTGATC-3'
Protein context (NP_003989.2, residues 799-819): TSDDLLAQGD[Met809Val]KQLAEDVKLQ

ClinVar aggregate classification (germline): Uncertain significance. Review status: criteria provided, multiple submitters, no conflicts (2 of 4 stars). 2 submissions from 2 submitters: Uncertain significance (2). Last evaluated 2025-04-01.

Conditions:
Inborn genetic diseases. Identifiers: MedGen C0950123, MeSH D030342.

Allele frequency attached by ClinVar (database versions not stated): gnomAD exomes 0.00001; TOPMed 0.00001.
gnomAD v4.1: 7 of 1,612,618 alleles (0.00043%); highest among the groups gnomAD compares: Admixed American, 0.012%; no homozygotes.

Submissions (2):

Ambry Genetics
Classification: Uncertain significance for Inborn genetic diseases. Last evaluated: 2025-04-01. Review status: criteria provided, single submitter. Criteria: Ambry Variant Classification Scheme 2023. Collection method: clinical testing. Allele origin: germline.

Labcorp Genetics (formerly Invitae), Labcorp
Classification: Uncertain significance. Last evaluated: 2025-01-27. Review status: criteria provided, single submitter. Criteria: Invitae Variant Classification Sherloc (09022015). Collection method: clinical testing. Allele origin: germline.
Comment: This sequence change replaces methionine, which is neutral and non-polar, with valine, which is neutral and non-polar, at codon 809 of the NFKB1 protein (p.Met809Val). This variant is not present in population databases (gnomAD no frequency). This variant has not been reported in the literature in individuals affected with NFKB1-related conditions. ClinVar contains an entry for this variant (Variation ID: 1900387). An algorithm developed to predict the effect of missense changes on protein structure and function (PolyPhen-2) suggests that this variant is likely to be tolerated. In summary, the available evidence is currently insufficient to determine the role of this variant in disease. Therefore, it has been classified as a Variant of Uncertain Significance.